The following continues an entry in ClinVar:

NM_000256.3(MYBPC3):c.1828G>C (p.Asp610His)

Gene: MYBPC3. ClinVar aggregate classification (germline): Conflicting classifications of pathogenicity. Pathogenic (1); Likely pathogenic (3); Uncertain significance (13).

Submissions 12 to 17 of 17:

CHEO Genetics Diagnostic Laboratory, Children's Hospital of Eastern Ontario
Classification: Uncertain significance for Cardiomyopathy. Last evaluated: 2021-05-18. Review status: criteria provided, single submitter. Criteria: ACMG Guidelines, 2015. Collection method: clinical testing. Allele origin: germline.

Victorian Clinical Genetics Services, Murdoch Childrens Research Institute
Classification: Uncertain significance for Hypertrophic cardiomyopathy 4. Last evaluated: 2021-05-06. Review status: criteria provided, single submitter. Criteria: ACMG Guidelines, 2015. Collection method: clinical testing. Allele origin: germline. Affected: yes.
Comment: Based on the classification scheme VCGS_Germline_v1.3.4, this variant is classified as VUS-3B. Following criteria are met: 0102 - Loss of function is a known mechanism of disease in this gene and is associated with dilated cardiomyopathy (DCM) (MIM#615396), hypertrophic cardiomyopathy (HCM) (MIM#115197) and left ventricular noncompaction (MIM#615396). (I) 0108 - This gene is associated with both recessive and dominant disease. Heterozygous variants are frequently reported in adult onset conditions, however recessive inheritance results in a more severe early onset phenotype (OMIM). (I) 0200 - Variant is predicted to result in a missense amino acid change from aspartic acid to histidine (I) 0251 - This variant is heterozygous. (I) 0304 - Variant is present in gnomAD (v2) <0.01 for a dominant condition (8 heterozygotes, 0 homozygotes). (SP) 0309 - Multiple alternative amino acid changes at the same position has been observed in gnomAD (v2) (highest allele count: 3 heterozygotes, 0 homozygotes). (I) 0501 - Missense variant consistently predicted to be damaging by multiple in silico tools or highly conserved with a major amino acid change. (SP) 0600 - Variant is located in the annotated immunoglobulin I-set domain (DECIPHER). (I) 0710 - Other missense variants comparable to the one identified in this case have inconclusive previous evidence for pathogenicity. Both p.(Asp610Val) and p.(Asp610Asn) have previously been classified as VUS by diagnostic laboratories in ClinVar, with the latter being reported in HCM patients (ClinVar, PMIDs: 28323875, 22857948). (I) 0808 - Previous evidence of pathogenicity for this variant is conflicting. This variant has been reported in HCM patients, some of whom also harbour another variant either in MYBPC3 or other cardiac genes. In addition, it has been identified patients with idiopathic ventricular fibrillation and sudden infant death syndrome. Overall, it has been classified as both likely pathogenic and predominantly as a VUS by diagnostic laboratories in ClinVar (ClinVar, PMIDs: 28538763, 32531501, 20624503, 21750094, 29032884, 22361390, 21835320). (I) 0905 - No published segregation evidence has been identified for this variant. (I) 1007 - No published functional evidence has been identified for this variant. (I) 1208 - Inheritance information for this variant is not currently available in this individual. (I) Legend: (SP) - Supporting pathogenic, (I) - Information, (SB) - Supporting benign

Institute of Human Genetics, University of Leipzig Medical Center
Classification: Likely pathogenic for Left ventricular noncompaction 10. Last evaluated: 2020-10-05. Review status: criteria provided, single submitter. Criteria: ACMG Guidelines, 2015. Collection method: clinical testing. Allele origin: unknown. Affected: yes.

Laboratory for Molecular Medicine, Mass General Brigham Personalized Medicine
Classification: Uncertain significance. Last evaluated: 2018-03-07. Review status: criteria provided, single submitter. Criteria: LMM Criteria. Collection method: clinical testing. Allele origin: germline. Observed: 9 variant alleles.
Comment: The p.Asp610His variant in MYBPC3 has been detected in 8 individuals with HCM (O livotto 2008, Millat 2010, Brito 2012, Rafael 2017 and LMM unpublished data) and one child who died from sudden infant death syndrome (SIDS; Brion 2012). Two of these individuals carried additional pathogenic variants and one individual was homozygous for the p.Asp610His variant (Rafael 2017, LMM data). In one family, this variant segregated with disease in 2 affected relatives, but was not presen t in an additional affected relative, raising the possibility that it may not be disease causing. The variant has also been identified in multiple older individ uals without disease. This variant has also been reported in ClinVar (Variation ID: 42576). This variant has also been identified in 6/113666 European chromosom es by the Genome Aggregation Database (gnomAD; dbSNP rs371564200). Computational prediction tools suggest that the p.Asp610His variant may impact the protein, though this information is not predictive enoug h to determine pathogenicity. In summary, the clinical significance of the p.Asp 610His variant is uncertain. ACMG/AMP Criteria applied: PP3; PS4_Supporting; BP2 .

Illumina Laboratory Services, Illumina
Classification: Uncertain significance for Left ventricular noncompaction 10. Last evaluated: 2017-04-27. Review status: criteria provided, single submitter. Criteria: ICSL Variant Classification Criteria 13 December 2019. Collection method: clinical testing. Allele origin: germline.

Illumina Laboratory Services, Illumina
Classification: Uncertain significance for Hypertrophic cardiomyopathy 4. Last evaluated: 2017-04-27. Review status: criteria provided, single submitter. Criteria: ICSL Variant Classification Criteria 13 December 2019. Collection method: clinical testing. Allele origin: germline.
Comment: This variant was observed as part of a predisposition screen in an ostensibly healthy population. A literature search was performed for the gene, cDNA change, and amino acid change (where applicable). Publications were found based on this search. However, the evidence from the literature, in combination with allele frequency data from public databases where available, was not sufficient to rule this variant in or out of causing disease. Therefore, this variant is classified as a variant of unknown significance.

Literature cited by the submitters: PubMed 8533079 (cited by Labcorp Genetics (formerly Invitae), Labcorp and AiLife Diagnostics); PubMed 20624503 (cited by 8 submitters); PubMed 22361390 (cited by 8 submitters); PubMed 25740977 (cited by 3 submitters); PubMed 28074886 (cited by 5 submitters); PubMed 28356264 (cited by 5 submitters); PubMed 29032884 (cited by 4 submitters); PubMed 22857948 (cited by 3 submitters); PubMed 33782553 (cited by 3 submitters); PubMed 34097875 (cited by Labcorp Genetics (formerly Invitae), Labcorp); PubMed 18533079 (cited by 6 submitters); PubMed 20800588 (cited by 3 submitters); PubMed 21835320 (cited by 4 submitters); PubMed 27217341 (cited by Ambry Genetics); PubMed 27532257 (cited by Ambry Genetics); PubMed 27618852 (cited by Ambry Genetics); PubMed 28538763 (cited by 5 submitters); PubMed 29710196 (cited by Ambry Genetics); PubMed 32531501 (cited by 4 submitters); PubMed 32746448 (cited by Ambry Genetics); PubMed 35838873 (cited by Ambry Genetics); PubMed 39633578 (cited by Ambry Genetics); PubMed 31983221 (cited by All of Us Research Program, National Institutes of Health and Color Diagnostics, LLC DBA Color Health); PubMed 33495597 (cited by All of Us Research Program, National Institutes of Health and Color Diagnostics, LLC DBA Color Health); PubMed 37477868 (cited by Color Diagnostics, LLC DBA Color Health); PubMed 38489124 (cited by Color Diagnostics, LLC DBA Color Health); PubMed 21750094 (cited by Victorian Clinical Genetics Services, Murdoch Childrens Research Institute); PubMed 28323875 (cited by Victorian Clinical Genetics Services, Murdoch Childrens Research Institute); PubMed 29875424 (cited by Victorian Clinical Genetics Services, Murdoch Childrens Research Institute).